The following is an entry in ClinVar:

NM_006214.4(PHYH):c.985C>T (p.Arg329Ter)

Gene: PHYH (phytanoyl-CoA 2-hydroxylase; minus strand). Cytogenetic location: 10p13.
Variant type: single nucleotide variant.
Coding change: c.985C>T on transcript NM_006214.4 (MANE Select); coding-DNA position 985, C replaced by T.
Protein change: p.Arg329Ter; replaces arginine 329 with a stop codon.
Molecular consequence: nonsense.
Genome position (GRCh38, 1-based): chr10:13,278,333, G>A on the plus strand (C>T on the coding strand, the complement: PHYH is on the minus strand). VCF-style: chr10-13278333-G-A. GRCh37 (hg19) VCF-style: chr10-13320333-G-A.
Other names: c.685C>T, p.Arg229Ter (NM_001037537.2, NM_001323080.2); c.991C>T, p.Arg331Ter (NM_001323082.2); c.721C>T, p.Arg241Ter (NM_001323083.2); c.691C>T, p.Arg231Ter (NM_001323084.2); short protein forms R229*, R231*, R331*, R241*, R329*.
Identifiers: ClinVar variation 2178043 (VCV002178043.1), dbSNP rs769348267, ClinGen allele CA5412177.

ClinVar aggregate classification (germline): Uncertain significance (1 of 4 stars; one submission).

Allele frequency attached by ClinVar (database versions not stated): ExAC 0.00001; gnomAD 0.00001; TOPMed 0.00001.
gnomAD v4.1: 14 of 1,612,066 alleles (0.00087%); highest among the groups gnomAD compares: Middle Eastern, 0.016%; no homozygotes.

Submission:

Labcorp Genetics (formerly Invitae), Labcorp
Classification: Uncertain significance. Last evaluated: 2022-06-14. Review status: criteria provided, single submitter. Criteria: Invitae Variant Classification Sherloc (09022015). Collection method: clinical testing. Allele origin: germline.
Comment: This sequence change creates a premature translational stop signal (p.Arg329*) in the PHYH gene. While this is not anticipated to result in nonsense mediated decay, it is expected to disrupt the last 10 amino acid(s) of the PHYH protein. This variant is present in population databases (rs769348267, gnomAD 0.003%). This premature translational stop signal has been observed in individual(s) with Refsum disease (Invitae). Experimental studies and prediction algorithms are not available or were not evaluated, and the functional significance of this variant is currently unknown. In summary, the available evidence is currently insufficient to determine the role of this variant in disease. Therefore, it has been classified as a Variant of Uncertain Significance.